The following is an entry in ClinVar:

ClinVar aggregate classification (germline): Uncertain significance (1 of 4 stars; one submission).

gnomAD v4.1: 1 of 1,614,122 alleles (0.000062%); highest among the groups gnomAD compares: Non-Finnish European, 0.000085%; no homozygotes.

Submission:

Labcorp Genetics (formerly Invitae), Labcorp
Classification: Uncertain significance. Last evaluated: 2022-05-25. Review status: criteria provided, single submitter. Criteria: Invitae Variant Classification Sherloc (09022015). Collection method: clinical testing. Allele origin: germline.
Comment: In summary, the available evidence is currently insufficient to determine the role of this variant in disease. Therefore, it has been classified as a Variant of Uncertain Significance. Algorithms developed to predict the effect of missense changes on protein structure and function are either unavailable or do not agree on the potential impact of this missense change (SIFT: "Deleterious"; PolyPhen-2: "Probably Damaging"; Align-GVGD: "Class C0"). This variant has not been reported in the literature in individuals affected with RXYLT1-related conditions. This variant is not present in population databases (gnomAD no frequency). This sequence change replaces valine, which is neutral and non-polar, with methionine, which is neutral and non-polar, at codon 353 of the RXYLT1 protein (p.Val353Met).

NM_014254.3(RXYLT1):c.1057G>A (p.Val353Met)

Gene: RXYLT1 (ribitol xylosyltransferase 1; plus strand). Cytogenetic location: 12q14.2.
Variant type: single nucleotide variant.
Coding change: c.1057G>A on transcript NM_014254.3 (MANE Select); coding-DNA position 1057, G replaced by A.
Protein change: p.Val353Met; replaces valine 353 with methionine.
Molecular consequence: missense variant.
Genome position (GRCh38, 1-based): chr12:63,808,817, G>A. VCF-style: chr12-63808817-G-A. GRCh37 (hg19) VCF-style: chr12-64202597-G-A.
Other names: c.277G>A, p.Val93Met (NM_001278237.2); short protein forms V353M, V93M.
Identifiers: ClinVar variation 2195175 (VCV002195175.4), dbSNP rs2500533646, ClinGen allele CA385660084.